The following is an entry in ClinVar:

ClinVar aggregate classification (germline): Uncertain significance (1 of 4 stars; one submission).

Submission:

GeneDx
Classification: Uncertain significance. Last evaluated: 2025-10-22. Review status: criteria provided, single submitter. Criteria: GeneDx Variant Classification Process June 2021. Collection method: clinical testing. Allele origin: germline.
Comment: Not observed at significant frequency in large population cohorts (gnomAD); In silico analysis supports that this missense variant has a deleterious effect on protein structure/function; Has not been previously published as pathogenic or benign to our knowledge

NM_001162501.2(TNRC6B):c.3787C>A (p.Pro1263Thr)

Gene: TNRC6B (trinucleotide repeat containing adaptor 6B; plus strand). Cytogenetic location: 22q13.1.
Variant type: single nucleotide variant.
Coding change: c.3787C>A on transcript NM_001162501.2 (MANE Select); coding-DNA position 3787, C replaced by A.
Protein change: p.Pro1263Thr; replaces proline 1263 with threonine.
Molecular consequence: missense variant.
Genome position (GRCh38, 1-based): chr22:40,300,533, C>A. VCF-style: chr22-40300533-C-A. GRCh37 (hg19) VCF-style: chr22-40696537-C-A.
Other names: c.1375C>A, p.Pro459Thr (NM_001024843.2); c.3457C>A, p.Pro1153Thr (NM_015088.3); short protein forms P1153T, P1263T, P459T.
Identifiers: ClinVar variation 3359266 (VCV003359266.2).